The following is an entry in ClinVar:

ClinVar aggregate classification (germline): Uncertain significance (1 of 4 stars; one submission).

Submission:

Labcorp Genetics (formerly Invitae), Labcorp
Classification: Uncertain significance. Last evaluated: 2022-12-29. Review status: criteria provided, single submitter. Criteria: Invitae Variant Classification Sherloc (09022015). Collection method: clinical testing. Allele origin: germline.
Comment: This sequence change replaces glutamic acid, which is acidic and polar, with glycine, which is neutral and non-polar, at codon 865 of the CTNNA1 protein (p.Glu865Gly). This variant is not present in population databases (gnomAD no frequency). This variant has not been reported in the literature in individuals affected with CTNNA1-related conditions. Advanced modeling of protein sequence and biophysical properties (such as structural, functional, and spatial information, amino acid conservation, physicochemical variation, residue mobility, and thermodynamic stability) performed at Invitae indicates that this missense variant is not expected to disrupt CTNNA1 protein function. In summary, the available evidence is currently insufficient to determine the role of this variant in disease. Therefore, it has been classified as a Variant of Uncertain Significance.

NM_001903.5(CTNNA1):c.2594A>G (p.Glu865Gly)

Gene: CTNNA1 (catenin alpha 1; plus strand). Cytogenetic location: 5q31.2.
Variant type: single nucleotide variant.
Coding change: c.2594A>G on transcript NM_001903.5 (MANE Select); coding-DNA position 2594, A replaced by G.
Protein change: p.Glu865Gly; replaces glutamic acid 865 with glycine.
Molecular consequence: missense variant. On other transcripts: 3 prime UTR variant (5).
Genome position (GRCh38, 1-based): chr5:138,933,962, A>G. VCF-style: chr5-138933962-A-G. GRCh37 (hg19) VCF-style: chr5-138269651-A-G.
Other names: c.*139A>G (NM_001290307.3, NM_001324002.1, NM_001324003.1 and 2 more transcripts); c.2285A>G, p.Glu762Gly (NM_001290309.3); c.2225A>G, p.Glu742Gly (NM_001290310.3); c.1484A>G, p.Glu495Gly (NM_001290312.1, NM_001323995.1, NM_001323996.1 and 12 more transcripts); c.2594A>G, p.Glu865Gly (NM_001323982.2, NM_001323983.1, NM_001323984.2); c.1349A>G, p.Glu450Gly (NM_001324001.1); c.2567A>G, p.Glu856Gly (NM_001323985.2); c.2501A>G, p.Glu834Gly (NM_001323986.2); and 3 more; short protein forms E382G, E450G, E762G, E464G, E495G, E834G, E865G, E414G.
Identifiers: ClinVar variation 2824869 (VCV002824869.3), dbSNP rs2533953576, ClinGen allele CA361135558.
Genomic context (GRCh38, chr5:138,933,962, plus strand): 5'-AGTCACAGGGTATGGCTTCCCTCAACCTTCCTGCTGTGTCATGGAAGATGAAGGCACCAG[A>G]GAAAAAGCCATTGGTGAAGAGAGAGAAACAGGATGAGACACAGACCAAGATTAAACGGGC-3'
Protein context (NP_001894.2, residues 855-875): PAVSWKMKAP[Glu865Gly]KKPLVKREKQ